The following is an entry in ClinVar:

ClinVar aggregate classification (germline): Likely benign. Review status: criteria provided, multiple submitters, no conflicts (2 of 4 stars). 8 submissions from 8 submitters: Likely benign (8). Last evaluated 2026-01-07.

Conditions:
Cardiovascular phenotype. Identifiers: MedGen CN230736.
Arrhythmogenic cardiomyopathy with wooly hair and keratoderma. Also called: Dilated cardiomyopathy with woolly hair and keratoderma; Carvajal syndrome; PALMOPLANTAR KERATODERMA WITH LEFT VENTRICULAR CARDIOMYOPATHY AND WOOLLY HAIR; Arrhythmogenic cardiomyopathy with woolly hair and keratoderma. Identifiers: Orphanet 65282, MedGen C1854063, MONDO:0011581, OMIM 605676.
Arrhythmogenic right ventricular dysplasia 8 (ARVD8). Also called: Arrhythmogenic Right Ventricular Dysplasia/Cardiomyopathy 8; ARRHYTHMOGENIC RIGHT VENTRICULAR DYSPLASIA, FAMILIAL, 8; ARRHYTHMOGENIC RIGHT VENTRICULAR CARDIOMYOPATHY 8. Identifiers: MedGen C1843896, MONDO:0011831, OMIM 607450.
Cardiomyopathy (CMYO). Also called: Cardiomyopathies. Identifiers: Orphanet 167848, MedGen C0878544, MONDO:0004994, HP:0001638. Inheritance: Various modes of inheritance.

Allele frequency attached by ClinVar (database versions not stated): TOPMed 0.00003; ESP Exome Variant Server 0.00008; 1000 Genomes Project 0.00020; 1000 Genomes Project 30x 0.00031.
gnomAD v4.1: 58 of 1,614,046 alleles (0.0036%); highest among the groups gnomAD compares: Middle Eastern, 0.13%; no homozygotes.

Submissions (8):

Labcorp Genetics (formerly Invitae), Labcorp
Classification: Likely benign for Arrhythmogenic cardiomyopathy with wooly hair and keratoderma; Arrhythmogenic right ventricular dysplasia 8. Last evaluated: 2026-01-07. Review status: criteria provided, single submitter. Criteria: Invitae Variant Classification Sherloc (09022015). Collection method: clinical testing. Allele origin: germline.

Blueprint Genetics
Classification: Likely benign. Last evaluated: 2024-09-04. Review status: criteria provided, single submitter. Criteria: ACMG Guidelines, 2015. Collection method: clinical testing. Allele origin: germline.

CeGaT Center for Human Genetics Tuebingen
Classification: Likely benign. Last evaluated: 2023-01-01. Review status: criteria provided, single submitter. Criteria: CeGaT Center For Human Genetics Tuebingen Variant Classification Criteria Version 2. Collection method: clinical testing. Allele origin: germline. Affected: yes. Observed: 3 variant alleles.
Comment: DSP: BP4, BP7

Ambry Genetics
Classification: Likely benign for Cardiovascular phenotype. Last evaluated: 2022-10-11. Review status: criteria provided, single submitter. Criteria: Ambry Variant Classification Scheme 2023. Collection method: clinical testing. Allele origin: germline.

Color Diagnostics, LLC DBA Color Health
Classification: Likely benign for Cardiomyopathy. Last evaluated: 2018-10-16. Review status: criteria provided, single submitter. Criteria: ACMG Guidelines, 2015. Collection method: clinical testing. Allele origin: germline.

Laboratory for Molecular Medicine, Mass General Brigham Personalized Medicine
Classification: Likely benign. Last evaluated: 2013-01-30. Review status: criteria provided, single submitter. Criteria: LMM Criteria. Collection method: clinical testing. Allele origin: germline. Observed: 1 variant allele.
Comment: Ala1505Ala in exon 23 of DSP: This variant is not expected to have clinical sign ificance because it does not alter an amino acid residue and is not located with in the splice consensus sequence. It has been identified in 1/8600 European Amer ican chromosomes from a broad population by the NHLBI Exome Sequencing Project, and in 1/176 Yoruba chromosomes from a broad population by the 1000 Genomes Project (dbSNP rs193197554). Ala1505Ala in exon 23 of DSP (rs193197554; allele frequency = 1/8600) **

Breakthrough Genomics
Classification: Likely benign. Review status: criteria provided, single submitter. Criteria: ACMG Guidelines, 2015. Collection method: not provided. Allele origin: germline. Inheritance: Autosomal recessive inheritance. Affected: yes.

PreventionGenetics, part of Exact Sciences
Classification: Likely benign. Review status: criteria provided, single submitter. Criteria: ACMG Guidelines, 2015. Collection method: clinical testing. Allele origin: germline.

NM_004415.4(DSP):c.4515G>A (p.Ala1505=)

Gene: DSP (desmoplakin; plus strand). Cytogenetic location: 6p24.3.
Variant type: single nucleotide variant.
Coding change: c.4515G>A on transcript NM_004415.4 (MANE Select); coding-DNA position 4515, G replaced by A.
Protein change: p.Ala1505=; no amino-acid change (alanine 1505 retained).
Molecular consequence: synonymous variant. On other transcripts: intron variant (2).
Genome position (GRCh38, 1-based): chr6:7,580,705, G>A. VCF-style: chr6-7580705-G-A. GRCh37 (hg19) VCF-style: chr6-7580938-G-A.
Other names: c.4050+465G>A (NM_001319034.2); c.3582+933G>A (NM_001008844.3).
Identifiers: ClinVar variation 44912 (VCV000044912.60), dbSNP rs193197554, ClinGen allele CA004521.
Genomic context (GRCh38, chr6:7,580,705, plus strand): 5'-GTTAAAACAACTGATCGACAAAGAAACAAATGACCGGAAATGCCTGGAAGATGAAAACGC[G>A]AGATTACAAAGGGTCCAGTATGACCTGCAGAAAGCAAACAGTAGTGCGACGGAGACAATA-3'
Protein context (NP_004406.2, residues 1495-1515): NDRKCLEDEN[Ala1505=]RLQRVQYDLQ